The following is an entry in ClinVar:

NM_000295.5(SERPINA1):c.470A>G (p.Asp157Gly)

Gene: SERPINA1 (serpin family A member 1; minus strand). Cytogenetic location: 14q32.13.
Variant type: single nucleotide variant.
Coding change: c.470A>G on transcript NM_000295.5 (MANE Select); coding-DNA position 470, A replaced by G.
Protein change: p.Asp157Gly; replaces aspartic acid 157 with glycine.
Molecular consequence: missense variant.
Genome position (GRCh38, 1-based): chr14:94,382,768, T>C on the plus strand (A>G on the coding strand, the complement: SERPINA1 is on the minus strand). VCF-style: chr14-94382768-T-C. GRCh37 (hg19) VCF-style: chr14-94849105-T-C.
Other names: c.470A>G, p.Asp157Gly (NM_001002235.3, NM_001002236.3, NM_001127700.2 and 7 more transcripts); c.470A>G (NM_000295.4); short protein forms D157G.
Identifiers: ClinVar variation 1115833 (VCV001115833.10), dbSNP rs749118243, ClinGen allele CA7327487.

ClinVar aggregate classification (germline): Likely benign. Review status: criteria provided, multiple submitters, no conflicts (2 of 4 stars). 2 submissions from 2 submitters: Likely benign (2). Last evaluated 2026-02-02.

Conditions:
SERPINA1-related disorder. Also called: SerpinA1-related disorders; SERPINA1-related condition.
Alpha-1-antitrypsin deficiency (A1ATD). Also called: AAT deficiency; A1AT deficiency; Alpha1-Antitrypsin Deficiency. Identifiers: Orphanet 60, MedGen C0221757, MONDO:0013282, OMIM 613490.

Allele frequency attached by ClinVar (database versions not stated): gnomAD 0.00003; ExAC 0.00014; gnomAD exomes 0.00015.

Submissions (2):

PreventionGenetics, part of Exact Sciences
Classification: Likely benign for SERPINA1-related condition. Last evaluated: 2026-02-02. Review status: criteria provided, single submitter. Criteria: ACMG Guidelines, 2015. Collection method: clinical testing. Allele origin: germline.
Comment: This variant is classified as likely benign based on ACMG/AMP sequence variant interpretation guidelines (Richards et al. 2015 PMID: 25741868, with internal and published modifications).

Labcorp Genetics (formerly Invitae), Labcorp
Classification: Likely benign for Alpha-1-antitrypsin deficiency. Last evaluated: 2025-12-31. Review status: criteria provided, single submitter. Criteria: Invitae Variant Classification Sherloc (09022015). Collection method: clinical testing. Allele origin: germline.